The following is an entry in ClinVar:

ClinVar aggregate classification (germline): Pathogenic/Likely pathogenic. Review status: criteria provided, multiple submitters, no conflicts (2 of 4 stars). 2 submissions from 2 submitters: Pathogenic (1); Likely pathogenic (1). Last evaluated 2025-08-21.

Conditions:
3-methylglutaconic aciduria type 1 (MGCA1). Identifiers: Orphanet 67046, MedGen C0342727, MONDO:0009610, OMIM 250950.

Submissions (2):

Labcorp Genetics (formerly Invitae), Labcorp
Classification: Pathogenic for 3-methylglutaconic aciduria type 1. Last evaluated: 2025-08-21. Review status: criteria provided, single submitter. Criteria: Invitae Variant Classification Sherloc (09022015). Collection method: clinical testing. Allele origin: germline.
Comment: This sequence change creates a premature translational stop signal (p.Ser14Ilefs*57) in the AUH gene. It is expected to result in an absent or disrupted protein product. Loss-of-function variants in AUH are known to be pathogenic (PMID: 12655555, 20882351). This variant is not present in population databases (gnomAD no frequency). This variant has not been reported in the literature in individuals affected with AUH-related conditions. ClinVar contains an entry for this variant (Variation ID: 1976807). For these reasons, this variant has been classified as Pathogenic.

Dasa
Classification: Likely pathogenic. Last evaluated: 2025-05-14. Review status: criteria provided, single submitter. Criteria: DASA Assertion Criteria. Collection method: clinical testing. Allele origin: germline.
Comment: NM_001698.3(AUH):c.39dup (p.Ser14Ilefs*57) is a frameshift variant in AUH predicted to alter the reading frame and introduce a premature termination codon and is predicted to result in an absent or altered protein product. Loss of function is an established disease mechanism for AUH-associated disorders. Also, this variant is absent from population databases. Based on the currently available evidence, this variant is classified as likely pathogenic.

Literature cited by the submitters: PubMed 12655555 (cited by Labcorp Genetics (formerly Invitae), Labcorp); PubMed 20882351 (cited by Labcorp Genetics (formerly Invitae), Labcorp).

NM_001698.3(AUH):c.39dup (p.Ser14fs)

Genes: AUH (AU RNA binding methylglutaconyl-CoA hydratase; minus strand), LOC130002059 (ATAC-STARR-seq lymphoblastoid silent region 20025; plus strand). Cytogenetic location: 9q22.31.
Variant type: Duplication.
Coding change: c.39dup on transcript NM_001698.3 (MANE Select); coding-DNA position 39, one base duplicated (A; older notation c.39dupA).
Protein change: p.Ser14fs; shifts the reading frame from serine 14.
Molecular consequence: frameshift variant. On other transcripts: 5 prime UTR variant (3).
Genome position (GRCh38, 1-based): chr9:91,361,851, T duplicated on the plus strand (A on the coding strand, the reverse complement: AUH is on the minus strand). VCF-style (leftmost placement, unchanged base first): chr9-91361850-A-AT. GRCh37 (hg19) VCF-style: chr9-94124132-A-AT.
Other names: c.39dup, p.Ser14fs (NM_001306190.2); c.-359dup (NM_001351431.2, NM_001351433.2); c.-451dup (NM_001351432.2); short protein forms S14fs.
Identifiers: ClinVar variation 1976807 (VCV001976807.7), dbSNP rs2132128897, ClinGen allele CA2580080651.
Genomic context (GRCh38, chr9:91,361,850, plus strand): 5'-ACCCCGGGCAGAGCCACGCACTGCAAGCGGCCACCAGGCGGGCGCCGCCAGCATGCAGGG[A>AT]TCCCAAGGCCCCAGGTGCCGCCGCCACCGCGGCCGCCATGTTGTCTGTTTACGGCGTGGA-3'